The following is an entry in ClinVar:

ClinVar aggregate classification (germline): Likely benign. Review status: criteria provided, multiple submitters, no conflicts (2 of 4 stars). 4 submissions from 4 submitters: Likely benign (4). Last evaluated 2025-02-01.

Conditions:
Familial cancer of breast. Also called: hereditary breast carcinoma; BREAST CANCER, FAMILIAL; Hereditary breast cancer. Identifiers: Orphanet 227535, MedGen C0346153, MONDO:0016419, OMIM 114480. Disease mechanism: loss of function.
Ataxia-telangiectasia syndrome (AT). Also called: Ataxia-telangiectasia, complementation group E; ATAXIA-TELANGIECTASIA, COMPLEMENTATION GROUP A; ATAXIA-TELANGIECTASIA, FRESNO VARIANT; Ataxia-telangiectasia; LOUIS-BAR SYNDROME; Cerebello-oculocutaneous telangiectasia. Identifiers: Orphanet 100, MedGen C0004135, MONDO:0008840, OMIM 208900.

Allele frequency attached by ClinVar (database versions not stated): gnomAD exomes 0.00001.
gnomAD v4.1: 10 of 1,584,984 alleles (0.00063%); highest among the groups gnomAD compares: Non-Finnish European, 0.00087%; no homozygotes.

Submissions (4):

Labcorp Genetics (formerly Invitae), Labcorp
Classification: Likely benign for Ataxia-telangiectasia syndrome. Last evaluated: 2025-02-01. Review status: criteria provided, single submitter. Criteria: Invitae Variant Classification Sherloc (09022015). Collection method: clinical testing. Allele origin: germline.

Myriad Genetics, Inc.
Classification: Likely benign for Familial cancer of breast. Last evaluated: 2024-05-02. Review status: criteria provided, single submitter. Criteria: Myriad Autosomal Dominant, Autosomal Recessive and X-Linked Classification Criteria (2023). Collection method: clinical testing. Allele origin: unknown.
Comment: This variant is considered likely benign. This variant is intronic and is not expected to impact mRNA splicing.

CeGaT Center for Human Genetics Tuebingen
Classification: Likely benign. Last evaluated: 2021-08-01. Review status: criteria provided, single submitter. Criteria: CeGaT Center For Human Genetics Tuebingen Variant Classification Criteria Version 2. Collection method: clinical testing. Allele origin: germline. Affected: yes. Observed: 1 variant allele.

Department of Pathology and Laboratory Medicine, Sinai Health System
Classification: Likely benign for Familial cancer of breast; Ataxia-telangiectasia syndrome. Last evaluated: 2021-07-13. Review status: criteria provided, single submitter. Criteria: ACMG Guidelines, 2015. Collection method: clinical testing. Allele origin: germline. Affected: no.

NM_000051.4(ATM):c.1898+10C>G

Gene: ATM (ATM serine/threonine kinase; plus strand). Cytogenetic location: 11q22.3.
Variant type: single nucleotide variant.
Coding change: c.1898+10C>G on transcript NM_000051.4 (MANE Select); 10 bases into the intron after coding-DNA position 1898, C replaced by G.
Molecular consequence: intron variant.
Genome position (GRCh38, 1-based): chr11:108,252,922, C>G. VCF-style: chr11-108252922-C-G. GRCh37 (hg19) VCF-style: chr11-108123649-C-G.
Other names: c.1898+10C>G (NM_001351834.2, NM_000051.3).
Identifiers: ClinVar variation 1078317 (VCV001078317.44), dbSNP rs199570442, ClinGen allele CA228392612.